The following is an entry in ClinVar:

ClinVar aggregate classification (germline): Likely benign (0 of 4 stars; one submission).

Conditions:
PATL2-related disorder. Also called: PATL2-related condition.

Allele frequency attached by ClinVar (database versions not stated): gnomAD exomes 0.00012; ExAC 0.00043; gnomAD 0.00123; 1000 Genomes Project 0.00140; TOPMed 0.00150; 1000 Genomes Project 30x 0.00172.
gnomAD v4.1: 356 of 1,551,320 alleles (0.023%); highest among the groups gnomAD compares: African/African-American, 0.46%; 1 homozygote.

Submission:

PreventionGenetics, part of Exact Sciences
Classification: Likely benign for PATL2-related condition. Last evaluated: 2019-07-16. Review status: no assertion criteria provided. Collection method: clinical testing. Allele origin: germline.
Comment: This variant is classified as likely benign based on ACMG/AMP sequence variant interpretation guidelines (Richards et al. 2015 PMID: 25741868, with internal and published modifications).

NM_001387263.1(PATL2):c.1146C>G (p.Pro382=)

Gene: PATL2 (PAT1 homolog 2; minus strand). Cytogenetic location: 15q21.1.
Variant type: single nucleotide variant.
Coding change: c.1146C>G on transcript NM_001387263.1 (MANE Select); coding-DNA position 1146, C replaced by G.
Protein change: p.Pro382=; no amino-acid change (proline 382 retained).
Molecular consequence: synonymous variant.
Genome position (GRCh38, 1-based): chr15:44,669,058, G>C on the plus strand (C>G on the coding strand, the complement: PATL2 is on the minus strand). VCF-style: chr15-44669058-G-C. GRCh37 (hg19) VCF-style: chr15-44961256-G-C.
Other names: c.1146C>G, p.Pro382= (NM_001145112.2, NM_001387261.1, NM_001387262.1); c.579C>G, p.Pro193= (NM_001330283.2); c.1053C>G, p.Pro351= (NM_001387260.1, NM_001387264.1).
Identifiers: ClinVar variation 3049657 (VCV003049657.2), dbSNP rs190933513, ClinGen allele CA7536073.